The following is an entry in ClinVar:

NM_002029.4(FPR1):c.554A>G (p.Asn185Ser)

Gene: FPR1 (formyl peptide receptor 1; minus strand). Cytogenetic location: 19q13.41.
Variant type: single nucleotide variant.
Coding change: c.554A>G on transcript NM_002029.4 (MANE Select); coding-DNA position 554, A replaced by G.
Protein change: p.Asn185Ser; replaces asparagine 185 with serine.
Molecular consequence: missense variant.
Genome position (GRCh38, 1-based): chr19:51,746,441, T>C on the plus strand (A>G on the coding strand, the complement: FPR1 is on the minus strand). VCF-style: chr19-51746441-T-C. GRCh37 (hg19) VCF-style: chr19-52249694-T-C.
Other names: c.554A>G, p.Asn185Ser (NM_001193306.2); short protein forms N185S.
Identifiers: ClinVar variation 3017822 (VCV003017822.3), dbSNP rs2513920216, ClinGen allele CA407118198.

ClinVar aggregate classification (germline): Uncertain significance (1 of 4 stars; one submission).

Conditions:
Gingival disorder. Also called: Gingival disease. Identifiers: MedGen C0017563, MONDO:0002021.

Allele frequency attached by ClinVar (database versions not stated): gnomAD exomes below 0.00001.

Submission:

Labcorp Genetics (formerly Invitae), Labcorp
Classification: Uncertain significance for Gingival disorder. Last evaluated: 2023-09-22. Review status: criteria provided, single submitter. Criteria: Invitae Variant Classification Sherloc (09022015). Collection method: clinical testing. Allele origin: germline.
Comment: This sequence change replaces asparagine, which is neutral and polar, with serine, which is neutral and polar, at codon 185 of the FPR1 protein (p.Asn185Ser). In summary, the available evidence is currently insufficient to determine the role of this variant in disease. Therefore, it has been classified as a Variant of Uncertain Significance. An algorithm developed to predict the effect of missense changes on protein structure and function (PolyPhen-2) suggests that this variant is likely to be tolerated. This variant has not been reported in the literature in individuals affected with FPR1-related conditions. This variant is not present in population databases (gnomAD no frequency).